The following is an entry in ClinVar:

ClinVar aggregate classification (germline): Uncertain significance. Review status: criteria provided, multiple submitters, no conflicts (2 of 4 stars). 2 submissions from 2 submitters: Uncertain significance (2). Last evaluated 2025-08-21.

Conditions:
Episodic ataxia type 2 (EA2). Also called: ATAXIA, EPISODIC, WITH NYSTAGMUS; ATAXIA, FAMILIAL PAROXYSMAL; CEREBELLAR ATAXIA, PAROXYSMAL, ACETAZOLAMIDE-RESPONSIVE; CEREBELLOPATHY, HEREDITARY PAROXYSMAL; ACETAZOLAMIDE-RESPONSIVE HEREDITARY PAROXYSMAL CEREBELLAR ATAXIA; EPISODIC ATAXIA, NYSTAGMUS-ASSOCIATED. Identifiers: Orphanet 97, MedGen C1720416, MONDO:0007163, OMIM 108500.
Developmental and epileptic encephalopathy, 42 (DEE42A). Also called: DEVELOPMENTAL AND EPILEPTIC ENCEPHALOPATHY 42A; EPILEPTIC ENCEPHALOPATHY, EARLY INFANTILE, 42A; Epileptic encephalopathy, early infantile, 42. Identifiers: MedGen C4310716, MONDO:0014917, OMIM 617106.

Allele frequency attached by ClinVar (database versions not stated): gnomAD exomes below 0.00001; gnomAD 0.00001; TOPMed 0.00001.
gnomAD v4.1: 8 of 1,613,806 alleles (0.0005%); highest among the groups gnomAD compares: Middle Eastern, 0.016%; no homozygotes.

Submissions (2):

Labcorp Genetics (formerly Invitae), Labcorp
Classification: Uncertain significance for Developmental and epileptic encephalopathy, 42; Episodic ataxia type 2. Last evaluated: 2025-08-21. Review status: criteria provided, single submitter. Criteria: Invitae Variant Classification Sherloc (09022015). Collection method: clinical testing. Allele origin: germline.
Comment: This sequence change replaces aspartic acid, which is acidic and polar, with asparagine, which is neutral and polar, at codon 2074 of the CACNA1A protein (p.Asp2074Asn). This variant is present in population databases (no rsID available, gnomAD 0.007%). This variant has not been reported in the literature in individuals affected with CACNA1A-related conditions. ClinVar contains an entry for this variant (Variation ID: 392047). Invitae Evidence Modeling of protein sequence and biophysical properties (such as structural, functional, and spatial information, amino acid conservation, physicochemical variation, residue mobility, and thermodynamic stability) indicates that this missense variant is not expected to disrupt CACNA1A protein function with a negative predictive value of 95%. In summary, the available evidence is currently insufficient to determine the role of this variant in disease. Therefore, it has been classified as a Variant of Uncertain Significance.

GeneDx
Classification: Uncertain significance. Last evaluated: 2016-12-30. Review status: criteria provided, single submitter. Criteria: GeneDx Variant Classification (06012015). Collection method: clinical testing. Allele origin: germline. Affected: yes.
Comment: A variant of uncertain significance has been identified in the CACNA1A gene. The D2074N variant has not been published as a pathogenic variant, nor has it been reported as a benign variant to our knowledge. The D2074N variant is not observed in large population cohorts (Lek et al., 2016; 1000 Genomes Consortium et al., 2015; Exome Variant Server). The D2074N variant is a semi-conservative amino acid substitution, which may impact secondary protein structure as these residues differ in some properties. In silico analysis predicts this variant is probably damaging to the protein structure/function. However, this substitution occurs at a position where amino acids with similar properties to Aspartic acid are tolerated across species. Therefore, based on the currently available information, it is unclear whether this variant is a pathogenic variant or a rare benign variant.

NM_001127222.2(CACNA1A):c.6217G>A (p.Asp2073Asn)

Gene: CACNA1A (calcium voltage-gated channel subunit alpha1 A; minus strand). Cytogenetic location: 19p13.13.
Variant type: single nucleotide variant.
Coding change: c.6217G>A on transcript NM_001127222.2 (MANE Select); coding-DNA position 6217, G replaced by A.
Protein change: p.Asp2073Asn; replaces aspartic acid 2073 with asparagine.
Molecular consequence: missense variant.
Genome position (GRCh38, 1-based): chr19:13,212,189, C>T on the plus strand (G>A on the coding strand, the complement: CACNA1A is on the minus strand). VCF-style: chr19-13212189-C-T. GRCh37 (hg19) VCF-style: chr19-13323003-C-T.
Other names: c.6235G>A, p.Asp2079Asn (NM_000068.4, NM_023035.3); c.6220G>A, p.Asp2074Asn (NM_001127221.2); c.6226G>A, p.Asp2076Asn (NM_001174080.2); short protein forms D2074N, D2073N, D2076N, D2079N.
Identifiers: ClinVar variation 392047 (VCV000392047.11), dbSNP rs1057524336, ClinGen allele CA16608049.
Genomic context (GRCh38, chr19:13,212,189, plus strand): 5'-TGGAGGCAGCCCGGCCCTGGCCTTCCATGGGGAGGTAGTGCTCGCTGTCGGAGTAGCCAT[C>T]TCTGCCCATCTCTCGCATCTCCACGGACTGCGGAGCAGATGGCAAAGCCAGATGAGCTCT-3'
Protein context (NP_001120694.1, residues 2063-2083): QSVEMREMGR[Asp2073Asn]GYSDSEHYLP